The following is an entry in ClinVar:

NM_013321.4(SNX8):c.1377G>A (p.Glu459=)

Gene: SNX8 (sorting nexin 8; minus strand). Cytogenetic location: 7p22.3.
Variant type: single nucleotide variant.
Coding change: c.1377G>A on transcript NM_013321.4 (MANE Select); coding-DNA position 1377, G replaced by A.
Protein change: p.Glu459=; no amino-acid change (glutamic acid 459 retained).
Molecular consequence: synonymous variant.
Genome position (GRCh38, 1-based): chr7:2,255,077, C>T on the plus strand (G>A on the coding strand, the complement: SNX8 is on the minus strand). VCF-style: chr7-2255077-C-T. GRCh37 (hg19) VCF-style: chr7-2294712-C-T.
Identifiers: ClinVar variation 2657228 (VCV002657228.24), dbSNP rs144465573, ClinGen allele CA4124471.

ClinVar aggregate classification (germline): Likely benign (1 of 4 stars; one submission).

Allele frequency attached by ClinVar (database versions not stated): 1000 Genomes Project 0.00140; 1000 Genomes Project 30x 0.00156; TOPMed 0.00420; ESP Exome Variant Server 0.00495; gnomAD 0.00538.
gnomAD v4.1: 9,620 of 1,575,164 alleles (0.61%); highest among the groups gnomAD compares: Non-Finnish European, 0.63%; 43 homozygotes.

Submission:

CeGaT Center for Human Genetics Tuebingen
Classification: Likely benign. Last evaluated: 2023-02-01. Review status: criteria provided, single submitter. Criteria: CeGaT Center For Human Genetics Tuebingen Variant Classification Criteria Version 2. Collection method: clinical testing. Allele origin: germline. Affected: yes. Observed: 1 variant allele.
Comment: SNX8: BP4, BP7, BS2